The following is an entry in ClinVar:

ClinVar aggregate classification (germline): Likely benign. Review status: criteria provided, multiple submitters, no conflicts (2 of 4 stars). 2 submissions from 2 submitters: Likely benign (2). Last evaluated 2026-08-01.

gnomAD v4.1: 22 of 1,613,976 alleles (0.0014%); highest among the groups gnomAD compares: Non-Finnish European, 0.0018%; no homozygotes.

Submissions (2):

CeGaT Center for Human Genetics Tuebingen
Classification: Likely benign. Last evaluated: 2026-08-01. Review status: criteria provided, single submitter. Criteria: CeGaT Center For Human Genetics Tuebingen Variant Classification Criteria Version 2. Collection method: clinical testing. Allele origin: germline. Affected: yes. Observed: 1 variant allele.
Comment: FAT4: BP4, BP7

Labcorp Genetics (formerly Invitae), Labcorp
Classification: Likely benign. Last evaluated: 2025-07-09. Review status: criteria provided, single submitter. Criteria: Invitae Variant Classification Sherloc (09022015). Collection method: clinical testing. Allele origin: germline.

NM_001291303.3(FAT4):c.399C>T (p.Pro133=)

Gene: FAT4 (FAT atypical cadherin 4; plus strand). Cytogenetic location: 4q28.1.
Variant type: single nucleotide variant.
Coding change: c.399C>T on transcript NM_001291303.3 (MANE Select); coding-DNA position 399, C replaced by T.
Protein change: p.Pro133=; no amino-acid change (proline 133 retained).
Molecular consequence: synonymous variant.
Genome position (GRCh38, 1-based): chr4:125,316,810, C>T. VCF-style: chr4-125316810-C-T. GRCh37 (hg19) VCF-style: chr4-126237965-C-T.
Other names: c.399C>T, p.Pro133= (NM_001291285.3, NM_024582.6).
Identifiers: ClinVar variation 3688041 (VCV003688041.3).
Genomic context (GRCh38, chr4:125,316,810, plus strand): 5'-CGCGCCCACCTACCCCACCGAAGTGCGAGTGCTGGTGCGGGACCTCAATGACAACGCCCC[C>T]GTTTTCCCGGACCCCTCTATCGTGGTCACTTTCAAGGAAGACAGTAGCAGCGGACGCCAA-3'
Protein context (NP_001278232.1, residues 123-143): VLVRDLNDNA[Pro133=]VFPDPSIVVT